The following is an entry in ClinVar:

ClinVar aggregate classification (germline): Uncertain significance. Review status: criteria provided, multiple submitters, no conflicts (2 of 4 stars). 2 submissions from 2 submitters: Uncertain significance (2). Last evaluated 2026-01-12.

Allele frequency attached by ClinVar (database versions not stated): ExAC 0.00001; TOPMed 0.00002; gnomAD 0.00003.
gnomAD v4.1: 9 of 1,607,470 alleles (0.00056%); highest among the groups gnomAD compares: African/African-American, 0.0094%; no homozygotes.

Submissions (2):

Women's Health and Genetics/Laboratory Corporation of America, LabCorp
Classification: Uncertain significance. Last evaluated: 2026-01-12. Review status: criteria provided, single submitter. Criteria: LabCorp Variant Classification Summary - May 2015. Collection method: clinical testing. Allele origin: germline.
Comment: Variant summary: COL18A1 c.3013+3A>G alters a conserved nucleotide located close to a canonical splice site and therefore could affect mRNA splicing, leading to a significantly altered protein sequence. Several computational tools predict a significant impact on normal splicing: One predicts the variant has no significant impact on splicing and three predict the variant weakens a 5' donor site. However, these predictions have yet to be confirmed by functional studies. The variant allele was found at a frequency of 4.1e-06 in 244100 control chromosomes. The available data on variant occurrences in the general population are insufficient to allow any conclusion about variant significance. To our knowledge, no occurrence of c.3013+3A>G in individuals affected with COL18A1-related conditions and no experimental evidence demonstrating its impact on protein function have been reported. ClinVar contains an entry for this variant (Variation ID: 2909402). Based on the evidence outlined above, the variant was classified as uncertain significance.

Labcorp Genetics (formerly Invitae), Labcorp
Classification: Uncertain significance. Last evaluated: 2024-12-10. Review status: criteria provided, single submitter. Criteria: Invitae Variant Classification Sherloc (09022015). Collection method: clinical testing. Allele origin: germline.
Comment: This sequence change falls in intron 35 of the COL18A1 gene. It does not directly change the encoded amino acid sequence of the COL18A1 protein. It affects a nucleotide within the consensus splice site. This variant is present in population databases (rs770631950, gnomAD 0.02%). This variant has not been reported in the literature in individuals affected with COL18A1-related conditions. ClinVar contains an entry for this variant (Variation ID: 2909402). Variants that disrupt the consensus splice site are a relatively common cause of aberrant splicing (PMID: 17576681, 9536098). Algorithms developed to predict the effect of sequence changes on RNA splicing suggest that this variant may disrupt the consensus splice site. In summary, the available evidence is currently insufficient to determine the role of this variant in disease. Therefore, it has been classified as a Variant of Uncertain Significance.

Literature cited by the submitters: PubMed 17576681 (cited by Labcorp Genetics (formerly Invitae), Labcorp); PubMed 9536098 (cited by Labcorp Genetics (formerly Invitae), Labcorp).

NM_001379500.1(COL18A1):c.3013+3A>G

Genes: COL18A1 (collagen type XVIII alpha 1 chain; plus strand), SLC19A1 (solute carrier family 19 member 1; minus strand). Cytogenetic location: 21q22.3.
Variant type: single nucleotide variant.
Coding change: c.3013+3A>G on transcript NM_001379500.1 (MANE Select); 3 bases into the intron after coding-DNA position 3013, A replaced by G.
Molecular consequence: intron variant.
Genome position (GRCh38, 1-based): chr21:45,505,281, A>G. VCF-style: chr21-45505281-A-G. GRCh37 (hg19) VCF-style: chr21-46925195-A-G.
Other names: c.4258+3A>G (NM_130444.3); c.3553+3A>G (NM_030582.4).
Identifiers: ClinVar variation 2909402 (VCV002909402.4), dbSNP rs770631950, ClinGen allele CA10067606.